The following is an entry in ClinVar:

NM_006231.4(POLE):c.2173G>C (p.Asp725His)

Gene: POLE (DNA polymerase epsilon, catalytic subunit; minus strand). Cytogenetic location: 12q24.33.
Variant type: single nucleotide variant.
Coding change: c.2173G>C on transcript NM_006231.4 (MANE Select); coding-DNA position 2173, G replaced by C.
Protein change: p.Asp725His; replaces aspartic acid 725 with histidine.
Molecular consequence: missense variant.
Genome position (GRCh38, 1-based): chr12:132,668,356, C>G on the plus strand (G>C on the coding strand, the complement: POLE is on the minus strand). VCF-style: chr12-132668356-C-G. GRCh37 (hg19) VCF-style: chr12-133244942-C-G.
Other names: short protein forms D725H.
Identifiers: ClinVar variation 2900231 (VCV002900231.3), dbSNP rs760942391, ClinGen allele CA387353500.

ClinVar aggregate classification (germline): Uncertain significance (1 of 4 stars; one submission).

Submission:

Labcorp Genetics (formerly Invitae), Labcorp
Classification: Uncertain significance. Last evaluated: 2023-05-31. Review status: criteria provided, single submitter. Criteria: Invitae Variant Classification Sherloc (09022015). Collection method: clinical testing. Allele origin: germline.
Comment: This variant is not present in population databases (gnomAD no frequency). This sequence change replaces aspartic acid, which is acidic and polar, with histidine, which is basic and polar, at codon 725 of the POLE protein (p.Asp725His). This variant also falls at the last nucleotide of exon 19, which is part of the consensus splice site for this exon. This variant has not been reported in the literature in individuals affected with POLE-related conditions. In summary, the available evidence is currently insufficient to determine the role of this variant in disease. Therefore, it has been classified as a Variant of Uncertain Significance. Variants that disrupt the consensus splice site are a relatively common cause of aberrant splicing (PMID: 17576681, 9536098). An algorithm developed to predict the effect of missense changes on protein structure and function (PolyPhen-2) suggests that this variant is likely to be disruptive.

Literature cited by the submitters: PubMed 17576681; PubMed 9536098.